The following is an entry in ClinVar:

NM_001098816.3(TENM4):c.1134G>C (p.Gln378His)

Gene: TENM4 (teneurin transmembrane protein 4; minus strand). Cytogenetic location: 11q14.1.
Variant type: single nucleotide variant.
Coding change: c.1134G>C on transcript NM_001098816.3 (MANE Select); coding-DNA position 1134, G replaced by C.
Protein change: p.Gln378His; replaces glutamine 378 with histidine.
Molecular consequence: missense variant.
Genome position (GRCh38, 1-based): chr11:78,863,083, C>G on the plus strand (G>C on the coding strand, the complement: TENM4 is on the minus strand). VCF-style: chr11-78863083-C-G. GRCh37 (hg19) VCF-style: chr11-78574128-C-G.
Other names: short protein forms Q378H.
Identifiers: ClinVar variation 778972 (VCV000778972.7), dbSNP rs111280970, ClinGen allele CA6207586.

ClinVar aggregate classification (germline): Benign/Likely benign. Review status: criteria provided, multiple submitters, no conflicts (2 of 4 stars). 4 submissions from 4 submitters: Benign (3); Likely benign (1). Last evaluated 2026-04-13.

Conditions:
TENM4-related disorder. Also called: TENM4-related condition.

Allele frequency attached by ClinVar (database versions not stated): gnomAD exomes 0.00074 and 0.00163; ExAC 0.00292; ESP Exome Variant Server 0.00679; gnomAD 0.00784 and 0.00855; 1000 Genomes Project 0.00839; TOPMed 0.00891; 1000 Genomes Project 30x 0.00984.
gnomAD v4.1: 2,272 of 1,533,090 alleles (0.15%); highest among the groups gnomAD compares: African/African-American, 2.8%; 26 homozygotes.

Submissions (4):

PreventionGenetics, part of Exact Sciences
Classification: Benign for TENM4-related condition. Last evaluated: 2026-04-13. Review status: criteria provided, single submitter. Criteria: ACMG Guidelines, 2015. Collection method: clinical testing. Allele origin: germline.
Comment: This variant is classified as benign based on ACMG/AMP sequence variant interpretation guidelines (Richards et al. 2015 PMID: 25741868, with internal and published modifications).

Genomic Medicine Center of Excellence, King Faisal Specialist Hospital and Research Centre
Classification: Likely benign. Last evaluated: 2025-08-18. Review status: criteria provided, single submitter. Criteria: ACMG Guidelines, 2015. Collection method: clinical testing. Allele origin: germline.

Labcorp Genetics (formerly Invitae), Labcorp
Classification: Benign. Last evaluated: 2019-12-31. Review status: criteria provided, single submitter. Criteria: Invitae Variant Classification Sherloc (09022015). Collection method: clinical testing. Allele origin: germline.

Breakthrough Genomics
Classification: Benign. Review status: criteria provided, single submitter. Criteria: ACMG Guidelines, 2015. Collection method: not provided. Allele origin: germline. Inheritance: Autosomal dominant inheritance. Affected: yes.